The following is an entry in ClinVar:

NM_001004334.4(GPR179):c.3013G>A (p.Glu1005Lys)

Gene: GPR179 (G protein-coupled receptor 179; minus strand). Cytogenetic location: 17q12.
Variant type: single nucleotide variant.
Coding change: c.3013G>A on transcript NM_001004334.4 (MANE Select); coding-DNA position 3013, G replaced by A.
Protein change: p.Glu1005Lys; replaces glutamic acid 1005 with lysine.
Molecular consequence: missense variant.
Genome position (GRCh38, 1-based): chr17:38,330,556, C>T on the plus strand (G>A on the coding strand, the complement: GPR179 is on the minus strand). VCF-style: chr17-38330556-C-T. GRCh37 (hg19) VCF-style: chr17-36486439-C-T.
Other names: short protein forms E1005K.
Identifiers: ClinVar variation 1357525 (VCV001357525.7), dbSNP rs2144262400, ClinGen allele CA398880847.

ClinVar aggregate classification (germline): Uncertain significance (1 of 4 stars; one submission).

Allele frequency attached by ClinVar (database versions not stated): gnomAD exomes below 0.00001.
gnomAD v4.1: 1 of 1,570,944 alleles (0.000064%); highest among the groups gnomAD compares: Non-Finnish European, 0.000086%; no homozygotes.

Submission:

Labcorp Genetics (formerly Invitae), Labcorp
Classification: Uncertain significance. Last evaluated: 2022-08-15. Review status: criteria provided, single submitter. Criteria: Invitae Variant Classification Sherloc (09022015). Collection method: clinical testing. Allele origin: germline.
Comment: In summary, the available evidence is currently insufficient to determine the role of this variant in disease. Therefore, it has been classified as a Variant of Uncertain Significance. Algorithms developed to predict the effect of missense changes on protein structure and function are either unavailable or do not agree on the potential impact of this missense change (SIFT: "Tolerated"; PolyPhen-2: "Possibly Damaging"; Align-GVGD: "Class C0"). ClinVar contains an entry for this variant (Variation ID: 1357525). This variant has not been reported in the literature in individuals affected with GPR179-related conditions. This variant is not present in population databases (gnomAD no frequency). This sequence change replaces glutamic acid, which is acidic and polar, with lysine, which is basic and polar, at codon 1005 of the GPR179 protein (p.Glu1005Lys).